The following is an entry in ClinVar:

ClinVar aggregate classification (germline): Uncertain significance (1 of 4 stars; one submission).

Conditions:
Retinitis pigmentosa 26 (RP26). Identifiers: Orphanet 791, MedGen C1842127, MONDO:0012024, OMIM 608380.

Submission:

Myriad Genetics, Inc.
Classification: Uncertain significance for Retinitis pigmentosa 26. Last evaluated: 2026-01-20. Review status: criteria provided, single submitter. Criteria: Myriad Autosomal Dominant, Autosomal Recessive and X-Linked Classification Criteria (2023). Collection method: clinical testing. Allele origin: unknown.
Comment: NM_001030311.2(CERKL):c.364C>T(L122F) is a missense variant classified as a variant of uncertain significance in the context of retinitis pigmentosa, CERKL-related. L122F has been observed in a case with relevant disease (PMID: 39127396). Relevant functional assessments of this variant are not available in the literature. L122F has been observed in referenced population frequency databases. In summary, there is insufficient evidence to classify NM_001030311.2(CERKL):c.364C>T(L122F) as pathogenic or benign. Please note: this variant was assessed in the context of healthy population screening.

Literature cited by the submitters: PubMed 39127396.

NM_201548.5(CERKL):c.364C>T (p.Leu122Phe)

Gene: CERKL (CERK like autophagy regulator; minus strand). Cytogenetic location: 2q31.3.
Variant type: single nucleotide variant.
Coding change: c.364C>T on transcript NM_201548.5 (MANE Select); coding-DNA position 364, C replaced by T.
Protein change: p.Leu122Phe; replaces leucine 122 with phenylalanine.
Molecular consequence: missense variant. On other transcripts: non-coding transcript variant (2).
Genome position (GRCh38, 1-based): chr2:181,603,954, G>A on the plus strand (C>T on the coding strand, the complement: CERKL is on the minus strand). VCF-style: chr2-181603954-G-A. GRCh37 (hg19) VCF-style: chr2-182468681-G-A.
Other names: c.364C>T, p.Leu122Phe (NM_001030311.3, NM_001030312.3, NM_001030313.3 and 1 more transcripts); short protein forms L122F.
Identifiers: ClinVar variation 5003446 (VCV005003446.1).
Genomic context (GRCh38, chr2:181,603,954, plus strand): 5'-TAATAAGATCAAGTGTAGAATTCTTTAGTTTATTTTGTTCCTTTTTCAAGCAGATGAAGA[G>A]TGTGATACCTAATAAAGTACCACTTCTCTGCTGTTTAACAGAACAACGCCGTTTCAGTTT-3'
Protein context (NP_963842.1, residues 112-132): QRSGTLLGIT[Leu122Phe]FICLKKEQNK